The following is an entry in ClinVar:

ClinVar aggregate classification (germline): Pathogenic (1 of 4 stars; one submission).

Submission:

Labcorp Genetics (formerly Invitae), Labcorp
Classification: Pathogenic. Last evaluated: 2024-06-26. Review status: criteria provided, single submitter. Criteria: Invitae Variant Classification Sherloc (09022015). Collection method: clinical testing. Allele origin: germline.
Comment: This sequence change creates a premature translational stop signal (p.Pro443Leufs*67) in the COL11A2 gene. It is expected to result in an absent or disrupted protein product. Loss-of-function variants in COL11A2 are known to be pathogenic (PMID: 10677296, 21204229). This variant is not present in population databases (gnomAD no frequency). This variant has not been reported in the literature in individuals affected with COL11A2-related conditions. For these reasons, this variant has been classified as Pathogenic.

Literature cited by the submitters: PubMed 10677296; PubMed 21204229.

NM_080680.3(COL11A2):c.1328del (p.Pro443fs)

Gene: COL11A2 (collagen type XI alpha 2 chain; minus strand). Cytogenetic location: 6p21.32.
Variant type: Deletion.
Coding change: c.1328del on transcript NM_080680.3 (MANE Select); coding-DNA position 1328, one base deleted (C; older notation c.1328delC).
Protein change: p.Pro443fs; shifts the reading frame from proline 443.
Molecular consequence: frameshift variant.
Genome position (GRCh38, 1-based): chr6:33,180,289, G deleted on the plus strand (C on the coding strand, the reverse complement: COL11A2 is on the minus strand); the first of 2 consecutive G bases (chr6:33,180,289-33,180,290); deleting either gives the same sequence. VCF-style (leftmost placement, unchanged base first): chr6-33180288-AG-A. GRCh37 (hg19) VCF-style: chr6-33148065-AG-A.
Other names: c.1148del, p.Pro383fs (NM_001424108.1); c.482del, p.Pro161fs (NM_001424109.1); c.302del, p.Pro101fs (NM_001424110.1, NM_001424111.1); c.1007del, p.Pro336fs (NM_080679.3); c.1070del, p.Pro357fs (NM_080681.3); short protein forms P101fs, P336fs, P443fs, P161fs, P357fs, P383fs.
Identifiers: ClinVar variation 3658051 (VCV003658051.2).